The following is an entry in ClinVar:

NM_003924.4(PHOX2B):c.7A>C (p.Lys3Gln)

Genes: PHOX2B (paired like homeobox 2B; minus strand), PHOX2B-AS1 (PHOX2B antisense RNA 1; plus strand). Cytogenetic location: 4p13.
Variant type: single nucleotide variant.
Coding change: c.7A>C on transcript NM_003924.4 (MANE Select); coding-DNA position 7, A replaced by C.
Protein change: p.Lys3Gln; replaces lysine 3 with glutamine.
Molecular consequence: missense variant.
Genome position (GRCh38, 1-based): chr4:41,748,604, T>G on the plus strand (A>C on the coding strand, the complement: PHOX2B is on the minus strand). VCF-style: chr4-41748604-T-G. GRCh37 (hg19) VCF-style: chr4-41750621-T-G.
Other names: short protein forms K3Q.
Identifiers: ClinVar variation 1060745 (VCV001060745.9), dbSNP rs2153113086, ClinGen allele CA356741452.

ClinVar aggregate classification (germline): Uncertain significance (1 of 4 stars; one submission).

Conditions:
Haddad syndrome (OHD). Also called: Ondine-Hirschsprung disease. Identifiers: Orphanet 99803, MedGen C1859049, MONDO:0020493.

Submission:

Labcorp Genetics (formerly Invitae), Labcorp
Classification: Uncertain significance for Haddad syndrome. Last evaluated: 2022-03-23. Review status: criteria provided, single submitter. Criteria: Invitae Variant Classification Sherloc (09022015). Collection method: clinical testing. Allele origin: germline.
Comment: In summary, the available evidence is currently insufficient to determine the role of this variant in disease. Therefore, it has been classified as a Variant of Uncertain Significance. Algorithms developed to predict the effect of missense changes on protein structure and function are either unavailable or do not agree on the potential impact of this missense change (SIFT: "Deleterious"; PolyPhen-2: "Benign"; Align-GVGD: "Class C0"). ClinVar contains an entry for this variant (Variation ID: 1060745). This variant has not been reported in the literature in individuals affected with PHOX2B-related conditions. This variant is not present in population databases (gnomAD no frequency). This sequence change replaces lysine, which is basic and polar, with glutamine, which is neutral and polar, at codon 3 of the PHOX2B protein (p.Lys3Gln).